The following is an entry in ClinVar:

ClinVar aggregate classification (germline): Pathogenic. Review status: reviewed by expert panel (3 of 4 stars). 13 submissions from 13 submitters: Pathogenic (1). 12 of the submissions do not count toward it. Last evaluated 2022-11-15.

Conditions:
GAA-related disorders.
Glycogen storage disease, type II (IOPD). Also called: Glycogen storage disease type 2; Acid maltase deficiency disease; Aglucosidase alfa; Deficiency of alpha-glucosidase; Deficiency of lysosomal alpha-glucosidase; POMPE DISEASE, INFANTILE-ONSET. Identifiers: Orphanet 365, MedGen C0017921, MONDO:0009290, OMIM 232300.

Allele frequency attached by ClinVar (database versions not stated): ExAC 0.00001; gnomAD exomes 0.00001; TOPMed 0.00001; gnomAD 0.00003.
gnomAD v4.1: 10 of 1,610,340 alleles (0.00062%); highest among the groups gnomAD compares: Admixed American, 0.0017%; no homozygotes.

Submissions 1 to 9 of 13:

ClinGen Lysosomal Storage Disorder Variant Curation Expert Panel
Classification: Pathogenic for Glycogen storage disease, type II. Last evaluated: 2022-11-15. Review status: reviewed by expert panel. Criteria: clingen_lsd_acmg_specifications_v2-1. Collection method: curation. Allele origin: germline. Inheritance: Autosomal recessive inheritance.
Comment: The NM_000152.5:c.1941C>G variant in GAA is a missense variant that is predicted to result in substitution of cysteine by tryptophan at amino acid 647 (p.Cys647Trp). At least 10 patients with this variant have been reported to have Pompe disease including two with documented laboratory values showing deficiency of GAA, one of whom also had reported symptoms consistent with infantile onset Pompe disease (PMID: 7981676, 9535769, 17723315) (meeting PP4_Moderate), three patients with reported symptoms consistent with infantile onset Pompe disease (PMID: 7981676, 19588081, 22658377, 31510962), one patient on enzyme replacement therapy (PMID: 31086307) (all meeting PP4). Four patients are compound heterozygous for the variant and a variant in GAA that has been classified as pathogenic for Pompe disease including c.-32-13T>G (PMID: 25681614, 31931849; 2 patients), c.2481+110_2646+39del (exon 18 deletion, PMID: 7981676), and c.1655T>C (p.Leu552Pro) (PMID: 19588081), all phase unconfirmed. In another patient, the variant is confirmed in trans with an allele containing two pathogenic variants, c.1456_1468del (p.Ala486fsTer30) (confirmed de novo) and c.2238G>C (p.Trp746Cys) (PMID: 7981676), and two patients are homozygous for the variant (PMID: 9535769, 31510962) (PM3_Very Strong). In addition, two patients are compound heterozygous for the variant and either c.1846G>A (p.Asp616Asn) (PMID: 31086307) or c.1781G>C (p.Arg594Pro) (PMID: 19588081). The allelic data from these patients will be used in the classification of the second variant and is not included here to avoid circular logic. In another patient, no second variant was found (PMID: 25681614). When expressed in GAA-deficient SV40 immortalized fibroblasts, the variant resulted in <1% GAA activity compared to the normal control ( PMID: 9535769) (PS3_Supporting).The computational predictor REVEL gives a score of 0.802 which is above the threshold of 0.7, evidence that correlates with impact to GAA function (PP3). The highest continental population minor allele frequency in gnomAD v2.1.1 is 0.00002 (3/124712 alleles) in the European non-Finnish population, which is lower than the ClinGen LSD VCEP’s threshold for PM2_Supporting (<0.001), meeting this criterion (PM2_Supporting). Of note, the highest population minor allele frequency in gnomAD v2.1.1 is in the "other" population, 0.00014 (1/7006 alleles) which also meets the PM2_Supporting threshold. There is a ClinVar entry for this variant (Variation ID: 550327). In summary, this variant meets the criteria to be classified as pathogenic for Pompe disease. GAA-specific ACMG-AMP criteria met, as specified by the ClinGen Lysosomal Storage Disorders VCEP (Specifications Version 2.0): PM3_Very_Strong, PP4_Moderate, PP3, PS3_Supporting, PM2_Supporting. Classification approved by the ClinGen LSD VCEP on Nov. 15, 2022.

Genomenon, Inc
Classification: Pathogenic for Glycogen storage disease, type II. Last evaluated: 2026-07-01. Review status: criteria provided, single submitter. Criteria: Genomenon Sequence Variant Interpretation Standards - Updated. Collection method: curation. Allele origin: germline. Affected: yes. Not counted in ClinVar's aggregate classification.
Comment: GAA p.Cys647Trp (c.1941C>G) is a missense variant that changes the amino acid at codon 647 from Cysteine to Tryptophan. This variant has been observed in at least one proband with a GAA-related disorder in the compound heterozygous and/or homozygous state (PMID:31510962;9535769;7981676;17723315;19588081;25681614;25256446). At least one functional study has demonstrated a substantial alteration in protein function relative to the wild-type (PMID:9535769;7981676;25256446). It is absent or not present at a significant frequency in gnomAD. In silico models predict that this variant is possibly or probably damaging. In conclusion, we classify GAA p.Cys647Trp (c.1941C>G) as a pathogenic variant.

Dasa
Classification: Pathogenic. Last evaluated: 2025-12-10. Review status: criteria provided, single submitter. Criteria: DASA Assertion Criteria. Collection method: clinical testing. Allele origin: germline. Not counted in ClinVar's aggregate classification.
Comment: NM_000152.5(GAA):c.1941C>G (p.Cys647Trp) is a missense variant that results in the substitution of cysteine with tryptophan. This variant has been observed in affected individuals with related phenotype in a genotype context consistent with recessive disease (PMID: 9535769; PMID: 7981676; PMID: 19588081; PMID: 25681614; PMID: 31931849). Functional evidence supports a deleterious effect on the gene or gene product (PMID: 9535769; PMID: 7981676; PMID: 19588081; PMID: 25681614; PMID: 31931849). This variant has been recurrently observed in individuals with related phenotype (PMID: 9535769; PMID: 7981676; PMID: 19588081; PMID: 25681614; PMID: 31931849). Multiple computational predictions support a deleterious effect on the gene or gene product. The variant is present at low frequency in population datasets. Based on the available data, this variant is classified as pathogenic.

Natera, Inc.
Classification: Pathogenic for Glycogen storage disease type II. Last evaluated: 2025-07-31. Review status: criteria provided, single submitter. Criteria: Natera Variant Classification Schema (03/2026). Collection method: clinical testing. Allele origin: germline. Not counted in ClinVar's aggregate classification.
Comment: The c.1941C>G variant in GAA is a missense variant predicted to cause substitution of cysteine to tryptophan at amino acid 647. This variant is rare in the general population with a frequency below the threshold expected for the associated phenotype(s). This variant has been observed in one or more individuals affected with the associated recessive disease, as either homozygous or compound heterozygous with a second variant (PMID: 17723315, 19588081). Additionally, this variant has been observed to segregate in affected family members (PMID: 19588081). Given the available evidence, this variant is classified as Pathogenic.

Labcorp Genetics (formerly Invitae), Labcorp
Classification: Pathogenic for Glycogen storage disease, type II. Last evaluated: 2024-09-12. Review status: criteria provided, single submitter. Criteria: Invitae Variant Classification Sherloc (09022015). Collection method: clinical testing. Allele origin: germline. Not counted in ClinVar's aggregate classification.
Comment: This sequence change replaces cysteine, which is neutral and slightly polar, with tryptophan, which is neutral and slightly polar, at codon 647 of the GAA protein (p.Cys647Trp). This variant is present in population databases (rs776948121, gnomAD 0.002%). This missense change has been observed in individual(s) with infantile onset Pompe disease (PMID: 7981676, 9535769, 17723315, 19588081, 22658377, 25681614). In at least one individual the data is consistent with being in trans (on the opposite chromosome) from a pathogenic variant. ClinVar contains an entry for this variant (Variation ID: 550327). Invitae Evidence Modeling of protein sequence and biophysical properties (such as structural, functional, and spatial information, amino acid conservation, physicochemical variation, residue mobility, and thermodynamic stability) indicates that this missense variant is expected to disrupt GAA protein function with a positive predictive value of 95%. Experimental studies have shown that this missense change affects GAA function (PMID: 7981676). For these reasons, this variant has been classified as Pathogenic.

Revvity Omics, Revvity
Classification: Pathogenic. Last evaluated: 2024-08-12. Review status: criteria provided, single submitter. Criteria: ACMG Guidelines, 2015. Collection method: clinical testing. Allele origin: germline. Not counted in ClinVar's aggregate classification.

Baylor Genetics
Classification: Pathogenic for Glycogen storage disease, type II. Last evaluated: 2023-11-23. Review status: criteria provided, single submitter. Criteria: ACMG Guidelines, 2015. Collection method: clinical testing. Allele origin: unknown. Not counted in ClinVar's aggregate classification.

Blueprint Genetics
Classification: Pathogenic for GAA-related disorders. Last evaluated: 2023-03-21. Review status: criteria provided, single submitter. Criteria: ACMG Guidelines, 2015. Collection method: clinical testing. Allele origin: germline. Affected: yes. Observed: 3 variant alleles. Not counted in ClinVar's aggregate classification.

Laboratorio de Genetica e Diagnostico Molecular, Hospital Israelita Albert Einstein
Classification: Pathogenic for Glycogen storage disease, type II. Last evaluated: 2022-09-17. Review status: criteria provided, single submitter. Criteria: ACMG Guidelines, 2015. Collection method: clinical testing. Allele origin: germline. Affected: yes. Not counted in ClinVar's aggregate classification.
Comment: ACMG classification criteria: PS3 supporting, PS4 strong, PM2 moderated, PM3 moderated, PP3 supporting

NM_000152.5(GAA):c.1941C>G (p.Cys647Trp)

Gene: GAA (alpha glucosidase; plus strand). Cytogenetic location: 17q25.3.
Variant type: single nucleotide variant.
Coding change: c.1941C>G on transcript NM_000152.5 (MANE Select); coding-DNA position 1941, C replaced by G.
Protein change: p.Cys647Trp; replaces cysteine 647 with tryptophan.
Molecular consequence: missense variant.
Genome position (GRCh38, 1-based): chr17:80,112,928, C>G. VCF-style: chr17-80112928-C-G. GRCh37 (hg19) VCF-style: chr17-78086727-C-G.
Other names: NM_000152.5(GAA):c.1941C>G; c.1941C>G, p.Cys647Trp (NM_001079803.3, NM_001079804.3); c.1941C>G (LRG_673t1); short protein forms C647W.
Identifiers: ClinVar variation 550327 (VCV000550327.22), dbSNP rs776948121, ClinGen allele CA8815554.